The following is an entry in ClinVar:

ClinVar aggregate classification (germline): Uncertain significance (1 of 4 stars; one submission).

Conditions:
Ullrich congenital muscular dystrophy 2 (UCMD2). Identifiers: Orphanet 75840, MedGen C4225314, MONDO:0014654, OMIM 616470.
Bethlem myopathy 2 (BTHLM2). Identifiers: Orphanet 536516, Orphanet 610, MedGen C4225313, MONDO:0034022, OMIM 616471.

Submission:

Labcorp Genetics (formerly Invitae), Labcorp
Classification: Uncertain significance for Bethlem myopathy 2; Ullrich congenital muscular dystrophy 2. Last evaluated: 2025-08-18. Review status: criteria provided, single submitter. Criteria: Invitae Variant Classification Sherloc (09022015). Collection method: clinical testing. Allele origin: germline.
Comment: This sequence change creates a premature translational stop signal (p.Gln401*) in the COL12A1 gene. Multiple COL12A1 isoforms have been reported, and the functional impact of this variant is uncertain (PMID: 8601036). This variant is not present in population databases (gnomAD no frequency). This variant has not been reported in the literature in individuals affected with COL12A1-related conditions. ClinVar contains an entry for this variant (Variation ID: 1494142). In summary, the available evidence is currently insufficient to determine the role of this variant in disease. Therefore, it has been classified as a Variant of Uncertain Significance.

Literature cited by the submitters: PubMed 8601036.

NM_004370.6(COL12A1):c.1201C>T (p.Gln401Ter)

Gene: COL12A1 (collagen type XII alpha 1 chain; minus strand). Cytogenetic location: 6q13.
Variant type: single nucleotide variant.
Coding change: c.1201C>T on transcript NM_004370.6 (MANE Select); coding-DNA position 1201, C replaced by T.
Protein change: p.Gln401Ter; replaces glutamine 401 with a stop codon.
Molecular consequence: nonsense. On other transcripts: intron variant (1).
Genome position (GRCh38, 1-based): chr6:75,183,941, G>A on the plus strand (C>T on the coding strand, the complement: COL12A1 is on the minus strand). VCF-style: chr6-75183941-G-A. GRCh37 (hg19) VCF-style: chr6-75893657-G-A.
Other names: c.73+18779C>T (NM_080645.3); short protein forms Q401*.
Identifiers: ClinVar variation 1494142 (VCV001494142.6), dbSNP rs2149467117, ClinGen allele CA364772894.